The following is an entry in ClinVar:

ClinVar aggregate classification (germline): Likely benign (0 of 4 stars; one submission).

Conditions:
PLXNA4-related disorder. Also called: PLXNA4-related condition.

Allele frequency attached by ClinVar (database versions not stated): gnomAD exomes 0.00003; ExAC 0.00005; gnomAD 0.00005; ESP Exome Variant Server 0.00008; 1000 Genomes Project 0.00020; 1000 Genomes Project 30x 0.00031.
gnomAD v4.1: 53 of 1,614,178 alleles (0.0033%); highest among the groups gnomAD compares: Admixed American, 0.018%; no homozygotes.

Submission:

PreventionGenetics, part of Exact Sciences
Classification: Likely benign for PLXNA4-related condition. Last evaluated: 2021-08-16. Review status: no assertion criteria provided. Collection method: clinical testing. Allele origin: germline.
Comment: This variant is classified as likely benign based on ACMG/AMP sequence variant interpretation guidelines (Richards et al. 2015 PMID: 25741868, with internal and published modifications).

NM_020911.2(PLXNA4):c.300C>T (p.Ile100=)

Gene: PLXNA4 (plexin A4; minus strand). Cytogenetic location: 7q32.3.
Variant type: single nucleotide variant.
Coding change: c.300C>T on transcript NM_020911.2 (MANE Select); coding-DNA position 300, C replaced by T.
Protein change: p.Ile100=; no amino-acid change (isoleucine 100 retained).
Molecular consequence: synonymous variant.
Genome position (GRCh38, 1-based): chr7:132,508,394, G>A on the plus strand (C>T on the coding strand, the complement: PLXNA4 is on the minus strand). VCF-style: chr7-132508394-G-A. GRCh37 (hg19) VCF-style: chr7-132193153-G-A.
Other names: c.300C>T, p.Ile100= (NM_001105543.2, NM_001393897.1, NM_181775.4).
Identifiers: ClinVar variation 3036888 (VCV003036888.2), dbSNP rs184417672, ClinGen allele CA4490514.